The following is an entry in ClinVar:

ClinVar aggregate classification (germline): Uncertain significance (1 of 4 stars; one submission).

Submission:

Labcorp Genetics (formerly Invitae), Labcorp
Classification: Uncertain significance. Last evaluated: 2021-05-28. Review status: criteria provided, single submitter. Criteria: Invitae Variant Classification Sherloc (09022015). Collection method: clinical testing. Allele origin: germline.
Comment: In summary, the available evidence is currently insufficient to determine the role of this variant in disease. Therefore, it has been classified as a Variant of Uncertain Significance. Algorithms developed to predict the effect of missense changes on protein structure and function output the following: SIFT: "Tolerated"; PolyPhen-2: "Benign"; Align-GVGD: "Class C0". The aspartic acid amino acid residue is found in multiple mammalian species, suggesting that this missense change does not adversely affect protein function. These predictions have not been confirmed by published functional studies and their clinical significance is uncertain. This variant has not been reported in the literature in individuals with CA2-related conditions. This variant is not present in population databases (ExAC no frequency). This sequence change replaces glycine with aspartic acid at codon 234 of the CA2 protein (p.Gly234Asp). The glycine residue is moderately conserved and there is a moderate physicochemical difference between glycine and aspartic acid.

NM_000067.3(CA2):c.701G>A (p.Gly234Asp)

Gene: CA2 (carbonic anhydrase 2; plus strand). Cytogenetic location: 8q21.2.
Variant type: single nucleotide variant.
Coding change: c.701G>A on transcript NM_000067.3 (MANE Select); coding-DNA position 701, G replaced by A.
Protein change: p.Gly234Asp; replaces glycine 234 with aspartic acid.
Molecular consequence: missense variant.
Genome position (GRCh38, 1-based): chr8:85,480,707, G>A. VCF-style: chr8-85480707-G-A. GRCh37 (hg19) VCF-style: chr8-86392936-G-A.
Other names: c.398G>A, p.Gly133Asp (NM_001293675.2); short protein forms G234D, G133D.
Identifiers: ClinVar variation 1522845 (VCV001522845.8), dbSNP rs2130570298, ClinGen allele CA371431267.
Genomic context (GRCh38, chr8:85,480,707, plus strand): 5'-CAATGTTTTATTGTGTCTTTTAGGTGTTGAAATTCCGTAAACTTAACTTCAATGGGGAGG[G>A]TGAACCCGAAGAACTGATGGTGGACAACTGGCGCCCAGCTCAGCCACTGAAGAACAGGCA-3'
Protein context (NP_000058.1, residues 224-244): KFRKLNFNGE[Gly234Asp]EPEELMVDNW